The following is an entry in ClinVar:

ClinVar aggregate classification (germline): Uncertain significance (1 of 4 stars; one submission).

Conditions:
Familial cold autoinflammatory syndrome 2 (FCAS2). Identifiers: Orphanet 247868, MedGen C2673198, MONDO:0012724, OMIM 611762.

Allele frequency attached by ClinVar (database versions not stated): gnomAD 0.00001.
gnomAD v4.1: 1 of 1,613,986 alleles (0.000062%); highest among the groups gnomAD compares: Admixed American, 0.0017%; no homozygotes.

Submission:

Labcorp Genetics (formerly Invitae), Labcorp
Classification: Uncertain significance for Familial cold autoinflammatory syndrome 2. Last evaluated: 2019-02-10. Review status: criteria provided, single submitter. Criteria: Invitae Variant Classification Sherloc (09022015). Collection method: clinical testing. Allele origin: germline.
Comment: In summary, the available evidence is currently insufficient to determine the role of this variant in disease. Therefore, it has been classified as a Variant of Uncertain Significance. Algorithms developed to predict the effect of missense changes on protein structure and function are either unavailable or do not agree on the potential impact of this missense change (SIFT: "Tolerated"; PolyPhen-2: "Possibly Damaging"; Align-GVGD: "Class C0"). This variant has not been reported in the literature in individuals with NLRP12-related conditions. This variant is not present in population databases (ExAC no frequency). This sequence change replaces serine with arginine at codon 702 of the NLRP12 protein (p.Ser702Arg). The serine residue is moderately conserved and there is a moderate physicochemical difference between serine and arginine.

NM_144687.4(NLRP12):c.2106T>A (p.Ser702Arg)

Gene: NLRP12 (NLR family pyrin domain containing 12; minus strand). Cytogenetic location: 19q13.42.
Variant type: single nucleotide variant.
Coding change: c.2106T>A on transcript NM_144687.4 (MANE Select); coding-DNA position 2106, T replaced by A.
Protein change: p.Ser702Arg; replaces serine 702 with arginine.
Molecular consequence: missense variant.
Genome position (GRCh38, 1-based): chr19:53,807,632, A>T on the plus strand (T>A on the coding strand, the complement: NLRP12 is on the minus strand). VCF-style: chr19-53807632-A-T. GRCh37 (hg19) VCF-style: chr19-54310886-A-T.
Other names: c.2109T>A, p.Ser703Arg (NM_001277126.2); c.2106T>A, p.Ser702Arg (NM_001277129.1); short protein forms S702R, S703R.
Identifiers: ClinVar variation 837819 (VCV000837819.9), dbSNP rs945063133, ClinGen allele CA310067444.